The following is an entry in ClinVar:

NM_005732.4(RAD50):c.280A>C (p.Ile94Leu)

Gene: RAD50 (RAD50 double strand break repair protein; plus strand). Cytogenetic location: 5q31.1.
Variant type: single nucleotide variant.
Coding change: c.280A>C on transcript NM_005732.4 (MANE Select); coding-DNA position 280, A replaced by C.
Protein change: p.Ile94Leu; replaces isoleucine 94 with leucine.
Molecular consequence: missense variant.
Genome position (GRCh38, 1-based): chr5:132,575,843, A>C. VCF-style: chr5-132575843-A-C. GRCh37 (hg19) VCF-style: chr5-131911535-A-C.
Other names: p.I94L:ATA>CTA; short protein forms I94L.
Identifiers: ClinVar variation 128012 (VCV000128012.72), dbSNP rs28903085, ClinGen allele CA206460.
Genomic context (GRCh38, chr5:132,575,843, plus strand): 5'-CAAGAAACAGATGTGAGAGCCCAGATTCGTCTGCAATTTCGTGATGTCAATGGAGAACTT[A>C]TAGCTGTGCAAAGATCTATGGTGTGTACTCAGAAAAGCAAAAAGACAGAATTTAAAACTC-3'
Protein context (NP_005723.2, residues 84-104): LQFRDVNGEL[Ile94Leu]AVQRSMVCTQ

ClinVar aggregate classification (germline): Benign/Likely benign. Review status: criteria provided, multiple submitters, no conflicts (2 of 4 stars). 15 submissions from 14 submitters: Benign (7); Likely benign (6). 2 of the submissions do not count toward it. Last evaluated 2026-03-01.

Conditions:
Hereditary cancer-predisposing syndrome. Also called: Tumor predisposition; Hereditary neoplastic syndrome; Neoplastic Syndromes, Hereditary; Hereditary Cancer Syndrome. Identifiers: Orphanet 140162, MedGen C0027672, MeSH D009386, MONDO:0015356.
Nijmegen breakage syndrome-like disorder (NBSLD). Also called: MICROCEPHALY AND SPONTANEOUS CHROMOSOME INSTABILITY WITHOUT IMMUNODEFICIENCY; NBS-LIKE DISORDER; RAD50 DEFICIENCY. Identifiers: Orphanet 240760, MedGen C2751318, MONDO:0013118, OMIM 613078.
Familial cancer of breast. Also called: Hereditary breast cancer; hereditary breast carcinoma; BREAST CANCER, FAMILIAL. Identifiers: Orphanet 227535, MedGen C0346153, MONDO:0016419, OMIM 114480. Disease mechanism: loss of function.

Allele frequency attached by ClinVar (database versions not stated): gnomAD 0.00300 and 0.00319; 1000 Genomes Project 30x 0.00328; TOPMed 0.00328; gnomAD exomes 0.00343 and 0.00458; ExAC 0.00347; ESP Exome Variant Server 0.00354; 1000 Genomes Project 0.00359.

Submissions (15):

CeGaT Center for Human Genetics Tuebingen
Classification: Likely benign. Last evaluated: 2026-03-01. Review status: criteria provided, single submitter. Criteria: CeGaT Center For Human Genetics Tuebingen Variant Classification Criteria Version 2. Collection method: clinical testing. Allele origin: germline. Affected: yes. Observed: 46 variant alleles.
Comment: RAD50: BP4, BS2

Labcorp Genetics (formerly Invitae), Labcorp
Classification: Benign for Hereditary cancer-predisposing syndrome. Last evaluated: 2026-01-30. Review status: criteria provided, single submitter. Criteria: Invitae Variant Classification Sherloc (09022015). Collection method: clinical testing. Allele origin: germline.

Dasa
Classification: Benign. Last evaluated: 2025-11-05. Review status: criteria provided, single submitter. Criteria: DASA Assertion Criteria. Collection method: clinical testing. Allele origin: germline.
Comment: NM_005732.4(RAD50):c.280A>C (p.Ile94Leu) is a missense variant that results in the substitution of isoleucine with leucine. Population frequency is inconsistent with a disease-causing role for this variant. Therefore, based on the currently available evidence, this variant is classified as benign.

KCCC/NGS Laboratory, Kuwait Cancer Control Center
Classification: Benign for Nijmegen breakage syndrome-like disorder. Last evaluated: 2025-02-01. Review status: criteria provided, single submitter. Criteria: ACMG Guidelines, 2015. Collection method: clinical testing. Allele origin: germline. Affected: no.

Blueprint Genetics
Classification: Likely benign. Last evaluated: 2024-11-25. Review status: criteria provided, single submitter. Criteria: ACMG Guidelines, 2015. Collection method: clinical testing. Allele origin: germline.

KCCC/NGS Laboratory, Kuwait Cancer Control Center
Classification: Benign for Familial cancer of breast. Last evaluated: 2023-07-07. Review status: criteria provided, single submitter. Criteria: ACMG Guidelines, 2015. Collection method: clinical testing. Allele origin: germline. Affected: yes.

Quest Diagnostics Nichols Institute San Juan Capistrano
Classification: Likely benign. Last evaluated: 2023-07-03. Review status: criteria provided, single submitter. Criteria: Quest Diagnostics criteria. Collection method: clinical testing. Allele origin: unknown.

Sema4
Classification: Benign for Nijmegen breakage syndrome-like disorder. Last evaluated: 2020-11-16. Review status: criteria provided, single submitter. Criteria: Sema4 Curation Guidelines. Collection method: curation. Allele origin: germline.

GeneDx
Classification: Likely benign. Last evaluated: 2020-11-06. Review status: criteria provided, single submitter. Criteria: GeneDx Variant Classification Process June 2021. Collection method: clinical testing. Allele origin: germline. Affected: yes.
Comment: This variant is associated with the following publications: (PMID: 24093751, 20981092, 14684699, 27884173, 27153395, 23555315, 26483394, 16385572, 27782108, 28492532, 28202063, 26209080)

Women's Health and Genetics/Laboratory Corporation of America, LabCorp
Classification: Benign. Last evaluated: 2020-08-31. Review status: criteria provided, single submitter. Criteria: LabCorp Variant Classification Summary - May 2015. Collection method: clinical testing. Allele origin: germline.
Comment: Variant summary: RAD50 c.280A>C (p.Ile94Leu) results in a conservative amino acid change located in the Rad50/SbcC-type AAA domain of the encoded protein sequence. Four of five in-silico tools predict a benign effect of the variant on protein function. The variant allele was found at a frequency of 0.0034 in 255166 control chromosomes, predominantly at a frequency of 0.0061 within the South Asian subpopulation in the gnomAD database, including 5 homozygotes. The observed variant frequency within South Asian control individuals in the gnomAD database is approximately 98-fold of the estimated maximal expected allele frequency for a pathogenic variant in RAD50 causing Hereditary Breast And Ovarian Cancer Syndrome phenotype (6.3e-05), strongly suggesting that the variant is a benign polymorphism found primarily in populations of South Asian origin. Further evidence in support of a benign polymorphism is provided by a recent study in Arabic individuals (a population underrepresented in publicly available databases) reporting the variant as benign based on a population frequency of >1% and its presence in the homozygous state in multiple individuals who lack the reported phenotype (Abouelhoda_2016). c.280A>C has been reported in the literature in individuals affected with Hereditary Breast And Ovarian Cancer Syndrome (e.g. Heikkinen_2003, Tommiska_2006, Young_2018) but was also reported in controls (e.g. Heikkinen_2003, Kurki_2014). In addition, one family with breast cancer history was documented with one unaffected and two affected sisters carrying the variant (Jalkh_2017). These data do not provide unequivocal conclusions about association of the variant with Hereditary Breast And Ovarian Cancer Syndrome. To our knowledge, no experimental evidence demonstrating an impact on protein function has been reported. Five ClinVar submitters (evaluation after 2014) cite the variant as benign/likely benign and one ClinVar submitter (evaluation after 2014) cites the variant as uncertain significance. Based on the evidence outlined above, the variant was classified as benign.

Clinical Genetics DNA and cytogenetics Diagnostics Lab, Erasmus MC, Erasmus Medical Center
Classification: Likely benign for Nijmegen breakage syndrome-like disorder. Last evaluated: 2016-06-15. Review status: criteria provided, single submitter. Criteria: ACGS Guidelines, 2013. Collection method: clinical testing. Allele origin: germline. Affected: yes. Study: VKGL Data-share Consensus.

Genetic Services Laboratory, University of Chicago
Classification: Likely benign. Last evaluated: 2015-12-11. Review status: criteria provided, single submitter. Criteria: ACMG Guidelines, 2015. Collection method: clinical testing. Allele origin: germline. Affected: no.

Ambry Genetics
Classification: Benign for Hereditary cancer-predisposing syndrome. Last evaluated: 2014-11-20. Review status: criteria provided, single submitter. Criteria: Ambry Variant Classification Scheme 2023. Collection method: clinical testing. Allele origin: germline.

Genome Diagnostics Laboratory, Amsterdam University Medical Center
Classification: Likely benign for Nijmegen breakage syndrome-like disorder. Last evaluated: 2017-04-25. Review status: no assertion criteria provided. Criteria: ACGS Guidelines, 2013. Collection method: clinical testing. Allele origin: germline. Affected: yes. Study: VKGL Data-share Consensus. Not counted in ClinVar's aggregate classification.

Counsyl
Classification: Likely benign for Nijmegen breakage syndrome-like disorder. Last evaluated: 2016-09-30. Review status: no assertion criteria provided. Collection method: clinical testing. Allele origin: unknown. Not counted in ClinVar's aggregate classification.

Literature cited by the submitters: PubMed 27782108 (cited by Quest Diagnostics Nichols Institute San Juan Capistrano); PubMed 29945567 (cited by Quest Diagnostics Nichols Institute San Juan Capistrano and Women's Health and Genetics/Laboratory Corporation of America, LabCorp); PubMed 28202063 (cited by Quest Diagnostics Nichols Institute San Juan Capistrano and Women's Health and Genetics/Laboratory Corporation of America, LabCorp); PubMed 27884173 (cited by Quest Diagnostics Nichols Institute San Juan Capistrano and Women's Health and Genetics/Laboratory Corporation of America, LabCorp); PubMed 27153395 (cited by Quest Diagnostics Nichols Institute San Juan Capistrano and Women's Health and Genetics/Laboratory Corporation of America, LabCorp); PubMed 26483394 (cited by Quest Diagnostics Nichols Institute San Juan Capistrano and Women's Health and Genetics/Laboratory Corporation of America, LabCorp); PubMed 24497844 (cited by Quest Diagnostics Nichols Institute San Juan Capistrano and Women's Health and Genetics/Laboratory Corporation of America, LabCorp); PubMed 23555315 (cited by Quest Diagnostics Nichols Institute San Juan Capistrano and Counsyl); PubMed 20571869 (cited by Quest Diagnostics Nichols Institute San Juan Capistrano and Women's Health and Genetics/Laboratory Corporation of America, LabCorp); PubMed 16385572 (cited by 3 submitters); PubMed 15855896 (cited by Quest Diagnostics Nichols Institute San Juan Capistrano and Women's Health and Genetics/Laboratory Corporation of America, LabCorp); PubMed 14684699 (cited by 3 submitters); PubMed 36315513 (cited by Quest Diagnostics Nichols Institute San Juan Capistrano); PubMed 29484706 (cited by Women's Health and Genetics/Laboratory Corporation of America, LabCorp).